The following is an entry in ClinVar:

NM_000875.5(IGF1R):c.2771T>C (p.Val924Ala)

Gene: IGF1R (insulin like growth factor 1 receptor; plus strand). Cytogenetic location: 15q26.3.
Variant type: single nucleotide variant.
Coding change: c.2771T>C on transcript NM_000875.5 (MANE Select); coding-DNA position 2771, T replaced by C.
Protein change: p.Val924Ala; replaces valine 924 with alanine.
Molecular consequence: missense variant.
Genome position (GRCh38, 1-based): chr15:98,924,673, T>C. VCF-style: chr15-98924673-T-C. GRCh37 (hg19) VCF-style: chr15-99467902-T-C.
Other names: c.2771T>C, p.Val924Ala (NM_001291858.2); short protein forms V924A.
Identifiers: ClinVar variation 4538730 (VCV004538730.2).

ClinVar aggregate classification (germline): Uncertain significance (1 of 4 stars; one submission).

Submission:

GeneDx
Classification: Uncertain significance. Last evaluated: 2026-05-20. Review status: criteria provided, single submitter. Criteria: GeneDx Variant Classification Process June 2021. Collection method: clinical testing. Allele origin: germline.
Comment: Not observed at significant frequency in large population cohorts (gnomAD); In silico analysis supports that this missense variant has a deleterious effect on protein structure/function; Has not been previously published as pathogenic or benign to our knowledge